The following is an entry in ClinVar:

NM_006231.4(POLE):c.5691G>T (p.Lys1897Asn)

Gene: POLE (DNA polymerase epsilon, catalytic subunit; minus strand). Cytogenetic location: 12q24.33.
Variant type: single nucleotide variant.
Coding change: c.5691G>T on transcript NM_006231.4 (MANE Select); coding-DNA position 5691, G replaced by T.
Protein change: p.Lys1897Asn; replaces lysine 1897 with asparagine.
Molecular consequence: missense variant.
Genome position (GRCh38, 1-based): chr12:132,636,012, C>A on the plus strand (G>T on the coding strand, the complement: POLE is on the minus strand). VCF-style: chr12-132636012-C-A. GRCh37 (hg19) VCF-style: chr12-133212598-C-A.
Other names: short protein forms K1897N.
Identifiers: ClinVar variation 2158747 (VCV002158747.4), dbSNP rs944517039, ClinGen allele CA387373239.

ClinVar aggregate classification (germline): Uncertain significance (1 of 4 stars; one submission).

Allele frequency attached by ClinVar (database versions not stated): gnomAD exomes below 0.00001.
gnomAD v4.1: 4 of 1,613,540 alleles (0.00025%); highest among the groups gnomAD compares: South Asian, 0.0033%; no homozygotes.

Submission:

Labcorp Genetics (formerly Invitae), Labcorp
Classification: Uncertain significance. Last evaluated: 2024-03-18. Review status: criteria provided, single submitter. Criteria: Invitae Variant Classification Sherloc (09022015). Collection method: clinical testing. Allele origin: germline.
Comment: This sequence change replaces lysine, which is basic and polar, with asparagine, which is neutral and polar, at codon 1897 of the POLE protein (p.Lys1897Asn). This variant is not present in population databases (gnomAD no frequency). This variant has not been reported in the literature in individuals affected with POLE-related conditions. ClinVar contains an entry for this variant (Variation ID: 2158747). Advanced modeling of protein sequence and biophysical properties (such as structural, functional, and spatial information, amino acid conservation, physicochemical variation, residue mobility, and thermodynamic stability) performed at Invitae indicates that this missense variant is not expected to disrupt POLE protein function with a negative predictive value of 80%. In summary, the available evidence is currently insufficient to determine the role of this variant in disease. Therefore, it has been classified as a Variant of Uncertain Significance.